The following is an entry in ClinVar:

ClinVar aggregate classification (germline): Uncertain significance. Review status: criteria provided, multiple submitters, no conflicts (2 of 4 stars). 2 submissions from 2 submitters: Uncertain significance (2). Last evaluated 2022-08-29.

Conditions:
Ataxia-telangiectasia syndrome (AT). Also called: Ataxia-telangiectasia, complementation group D; AT, COMPLEMENTATION GROUP C; ATAXIA-TELANGIECTASIA, COMPLEMENTATION GROUP A; ATAXIA-TELANGIECTASIA, FRESNO VARIANT; Ataxia-telangiectasia; LOUIS-BAR SYNDROME. Identifiers: Orphanet 100, MedGen C0004135, MONDO:0008840, OMIM 208900.
Hereditary cancer-predisposing syndrome. Also called: Neoplastic Syndromes, Hereditary; Tumor predisposition; Hereditary neoplastic syndrome; Hereditary Cancer Syndrome. Identifiers: Orphanet 140162, MedGen C0027672, MeSH D009386, MONDO:0015356.

Submissions (2):

Ambry Genetics
Classification: Uncertain significance for Hereditary cancer-predisposing syndrome. Last evaluated: 2022-08-29. Review status: criteria provided, single submitter. Criteria: Ambry Variant Classification Scheme 2023. Collection method: clinical testing. Allele origin: germline.
Comment: The p.R981P variant (also known as c.2942G>C), located in coding exon 19 of the ATM gene, results from a G to C substitution at nucleotide position 2942. The arginine at codon 981 is replaced by proline, an amino acid with dissimilar properties. This amino acid position is conserved. In addition, this alteration is predicted to be deleterious by in silico analysis. Since supporting evidence is limited at this time, the clinical significance of this alteration remains unclear.

Labcorp Genetics (formerly Invitae), Labcorp
Classification: Uncertain significance for Ataxia-telangiectasia syndrome. Last evaluated: 2022-05-28. Review status: criteria provided, single submitter. Criteria: Invitae Variant Classification Sherloc (09022015). Collection method: clinical testing. Allele origin: germline.
Comment: This sequence change replaces arginine, which is basic and polar, with proline, which is neutral and non-polar, at codon 981 of the ATM protein (p.Arg981Pro). This variant is not present in population databases (gnomAD no frequency). This variant has not been reported in the literature in individuals affected with ATM-related conditions. Advanced modeling of protein sequence and biophysical properties (such as structural, functional, and spatial information, amino acid conservation, physicochemical variation, residue mobility, and thermodynamic stability) performed at Invitae indicates that this missense variant is not expected to disrupt ATM protein function. In summary, the available evidence is currently insufficient to determine the role of this variant in disease. Therefore, it has been classified as a Variant of Uncertain Significance.

NM_000051.4(ATM):c.2942G>C (p.Arg981Pro)

Gene: ATM (ATM serine/threonine kinase; plus strand). Cytogenetic location: 11q22.3.
Variant type: single nucleotide variant.
Coding change: c.2942G>C on transcript NM_000051.4 (MANE Select); coding-DNA position 2942, G replaced by C.
Protein change: p.Arg981Pro; replaces arginine 981 with proline.
Molecular consequence: missense variant.
Genome position (GRCh38, 1-based): chr11:108,271,271, G>C. VCF-style: chr11-108271271-G-C. GRCh37 (hg19) VCF-style: chr11-108141998-G-C.
Other names: c.2942G>C, p.Arg981Pro (NM_001351834.2); short protein forms R981P.
Identifiers: ClinVar variation 1797934 (VCV001797934.4), dbSNP rs755896387, ClinGen allele CA382547150.